The following is an entry in ClinVar:

NM_001015877.2(PHF6):c.497G>A (p.Arg166Lys)

Gene: PHF6 (PHD finger protein 6; plus strand). Cytogenetic location: Xq26.2.
Variant type: single nucleotide variant.
Coding change: c.497G>A on transcript NM_001015877.2 (MANE Select); coding-DNA position 497, G replaced by A.
Protein change: p.Arg166Lys; replaces arginine 166 with lysine.
Molecular consequence: missense variant.
Genome position (GRCh38, 1-based): chrX:134,413,569, G>A. VCF-style: chrX-134413569-G-A. GRCh37 (hg19) VCF-style: chrX-133547599-G-A.
Other names: c.500G>A, p.Arg167Lys (NM_032335.3); c.497G>A, p.Arg166Lys (NM_032458.3); c.497G>A (NM_032458.2); short protein forms R166K, R167K.
Identifiers: ClinVar variation 2502247 (VCV002502247.4), dbSNP rs368966223, ClinGen allele CA336029321.

ClinVar aggregate classification (germline): Uncertain significance. Review status: criteria provided, multiple submitters, no conflicts (2 of 4 stars). 4 submissions from 4 submitters: Uncertain significance (3). 1 of the submissions does not count toward it. Last evaluated 2025-11-20.

Conditions:
PHF6-related disorder. Also called: PHF6-related condition.
Inborn genetic diseases. Identifiers: MedGen C0950123, MeSH D030342.
Borjeson-Forssman-Lehmann syndrome (BFLS). Also called: MENTAL RETARDATION, X-LINKED, SYNDROMIC, BORJESON-FORSSMAN-LEHMANN TYPE; MENTAL RETARDATION, EPILEPSY, AND ENDOCRINE DISORDERS; BORJESON SYNDROME. Identifiers: Orphanet 127, MedGen C0265339, MONDO:0010537, OMIM 301900.

Allele frequency attached by ClinVar (database versions not stated): gnomAD exomes 0.00001; TOPMed 0.00001; gnomAD 0.00002; ESP Exome Variant Server 0.00009.
gnomAD v4.1: 11 of 1,209,043 alleles (0.00091%); highest among the groups gnomAD compares: Non-Finnish European, 0.0012%; no homozygotes.

Submissions (4):

Ambry Genetics
Classification: Uncertain significance for Inborn genetic diseases. Last evaluated: 2025-11-20. Review status: criteria provided, single submitter. Criteria: Ambry Variant Classification Scheme 2023. Collection method: clinical testing. Allele origin: germline.

Pittsburgh Clinical Genomics Laboratory, University of Pittsburgh Medical Center
Classification: Uncertain significance for Borjeson-Forssman-Lehmann syndrome. Last evaluated: 2023-12-26. Review status: criteria provided, single submitter. Criteria: ACMG Guidelines, 2015. Collection method: clinical testing. Allele origin: germline. Inheritance: X-linked recessive inheritance. Affected: yes.
Comment: This sequence variant is a single nucleotide substitution (G>A) at position 497 of the coding sequence of the PHF6 gene that results in a arginine to lysine amino acid change at residue 166 of the PHD finger protein 6 protein. The 166 residue falls within the nucleolar localization sequence of the protein (PMID: 36008597). This is a previously reported variant (ClinVar 2502247) that has not been observed in individuals affected by a PHF6-related disorder in the published literature, to our knowledge. This variant is present in 11 of 1209043 alleles (0.0009%) in the gnomAD v4.0.0 population dataset. Bioinformatic tools are inconclusive if this amino acid change will be damaging or tolerated, and the Arg166 residue at this position is highly conserved across the mammilian species examined. Studies examining the functional consequence of this variant have not been published, to our knowledge. At this time, there is insufficient evidence to determine if this variant is pathogenic or benign. Therefore, we consider this a variant of uncertain significance. ACMG Criteria: PM2

New York Genome Center
Classification: Uncertain significance for Borjeson-Forssman-Lehmann syndrome. Last evaluated: 2022-04-01. Review status: criteria provided, single submitter. Criteria: NYGC Assertion Criteria 2020. Collection method: clinical testing. Allele origin: germline. Observed: 1 heterozygote.

PreventionGenetics, part of Exact Sciences
Classification: Uncertain significance for PHF6-related condition. Last evaluated: 2024-03-05. Review status: no assertion criteria provided. Collection method: clinical testing. Allele origin: germline. Not counted in ClinVar's aggregate classification.
Comment: The PHF6 c.497G>A variant is predicted to result in the amino acid substitution p.Arg166Lys. To our knowledge, this variant has not been reported in the literature or in a large population database, indicating this variant is rare. At this time, the clinical significance of this variant is uncertain due to the absence of conclusive functional and genetic evidence.

Literature cited by the submitters: PubMed 36008597 (cited by Pittsburgh Clinical Genomics Laboratory, University of Pittsburgh Medical Center).